The following is an entry in ClinVar:

NM_173076.3(ABCA12):c.5925C>T (p.Asp1975=)

Genes: ABCA12 (ATP binding cassette subfamily A member 12; minus strand), SNHG31 (small nucleolar RNA host gene 31; plus strand). Cytogenetic location: 2q35.
Variant type: single nucleotide variant.
Coding change: c.5925C>T on transcript NM_173076.3 (MANE Select); coding-DNA position 5925, C replaced by T.
Protein change: p.Asp1975=; no amino-acid change (aspartic acid 1975 retained).
Molecular consequence: synonymous variant. On other transcripts: non-coding transcript variant (1).
Genome position (GRCh38, 1-based): chr2:214,959,038, G>A on the plus strand (C>T on the coding strand, the complement: ABCA12 is on the minus strand). VCF-style: chr2-214959038-G-A. GRCh37 (hg19) VCF-style: chr2-215823762-G-A.
Other names: c.4971C>T, p.Asp1657= (NM_015657.4).
Identifiers: ClinVar variation 334230 (VCV000334230.16), dbSNP rs6740406, ClinGen allele CA2091064.

ClinVar aggregate classification (germline): Benign. Review status: criteria provided, multiple submitters, no conflicts (2 of 4 stars). 4 submissions from 4 submitters: Benign (3). 1 of the submissions does not count toward it. Last evaluated 2026-02-02.

Conditions:
Congenital ichthyosis of skin. Identifiers: MedGen C0020758.
ABCA12-related disorder. Also called: ABCA12-related condition.

Allele frequency attached by ClinVar (database versions not stated): gnomAD exomes 0.00147 and 0.00414; ExAC 0.00491; gnomAD 0.01528 and 0.01647; ESP Exome Variant Server 0.01776; TOPMed 0.01788; 1000 Genomes Project 30x 0.01796; 1000 Genomes Project 0.01837.
gnomAD v4.1: 4,599 of 1,613,778 alleles (0.28%); highest among the groups gnomAD compares: African/African-American, 5%; 106 homozygotes.

Submissions (4):

Labcorp Genetics (formerly Invitae), Labcorp
Classification: Benign. Last evaluated: 2026-02-02. Review status: criteria provided, single submitter. Criteria: Invitae Variant Classification Sherloc (09022015). Collection method: clinical testing. Allele origin: germline.

Illumina Laboratory Services, Illumina
Classification: Benign for Congenital ichthyosis of skin. Last evaluated: 2018-01-13. Review status: criteria provided, single submitter. Criteria: ICSL Variant Classification Criteria 13 December 2019. Collection method: clinical testing. Allele origin: germline.
Comment: This variant was observed in the ICSL laboratory as part of a predisposition screen in an ostensibly healthy population. It had not been previously curated by ICSL or reported in the Human Gene Mutation Database (HGMD: prior to June 1st, 2018), and was therefore a candidate for classification through an automated scoring system. Utilizing variant allele frequency, disease prevalence and penetrance estimates, and inheritance mode, an automated score was calculated to assess if this variant is too frequent to cause the disease. Based on the score and internal cut-off values, a variant classified as benign is not then subjected to further curation. The score for this variant resulted in a classification of benign for this disease.

Breakthrough Genomics
Classification: Benign. Review status: criteria provided, single submitter. Criteria: ACMG Guidelines, 2015. Collection method: not provided. Allele origin: germline. Inheritance: Autosomal recessive inheritance. Affected: yes.

PreventionGenetics, part of Exact Sciences
Classification: Likely benign for ABCA12-related condition. Last evaluated: 2019-09-30. Review status: no assertion criteria provided. Collection method: clinical testing. Allele origin: germline. Not counted in ClinVar's aggregate classification.
Comment: This variant is classified as likely benign based on ACMG/AMP sequence variant interpretation guidelines (Richards et al. 2015 PMID: 25741868, with internal and published modifications).